The following is an entry in ClinVar:

ClinVar aggregate classification (germline): Conflicting classifications of pathogenicity. Review status: criteria provided, conflicting classifications (1 of 4 stars). 2 submissions from 2 submitters: Uncertain significance (1); Likely benign (1). Last evaluated 2025-11-21.

Conditions:
PCNT-related disorder. Also called: PCNT-related condition.
Inborn genetic diseases. Identifiers: MedGen C0950123, MeSH D030342.

Allele frequency attached by ClinVar (database versions not stated): TOPMed below 0.00001; gnomAD 0.00003; ExAC 0.00007.
gnomAD v4.1: 52 of 1,607,760 alleles (0.0032%); highest among the groups gnomAD compares: South Asian, 0.037%; 1 homozygote.

Submissions (2):

PreventionGenetics, part of Exact Sciences
Classification: Uncertain significance for PCNT-related condition. Last evaluated: 2025-11-21. Review status: criteria provided, single submitter. Criteria: ACMG Guidelines, 2015. Collection method: clinical testing. Allele origin: germline.
Comment: The PCNT c.9998T>A variant is predicted to result in the amino acid substitution p.Met3333Lys. To our knowledge, this variant has not been reported in the literature. This variant is reported in 0.023% of alleles in individuals of South Asian descent in gnomAD. At this time, the clinical significance of this variant is uncertain due to the absence of conclusive functional and genetic evidence.

Ambry Genetics
Classification: Likely benign for Inborn genetic diseases. Last evaluated: 2023-04-26. Review status: criteria provided, single submitter. Criteria: Ambry Variant Classification Scheme 2023. Collection method: clinical testing. Allele origin: germline.

NM_006031.6(PCNT):c.9998T>A (p.Met3333Lys)

Gene: PCNT (pericentrin; plus strand). Cytogenetic location: 21q22.3.
Variant type: single nucleotide variant.
Coding change: c.9998T>A on transcript NM_006031.6 (MANE Select); coding-DNA position 9998, T replaced by A.
Protein change: p.Met3333Lys; replaces methionine 3333 with lysine.
Molecular consequence: missense variant.
Genome position (GRCh38, 1-based): chr21:46,445,314, T>A. VCF-style: chr21-46445314-T-A. GRCh37 (hg19) VCF-style: chr21-47865227-T-A.
Other names: c.9407T>A, p.Met3136Lys (NM_001315529.2); short protein forms M3333K, M3136K.
Identifiers: ClinVar variation 2559245 (VCV002559245.3), dbSNP rs759204178, ClinGen allele CA10081584.
Genomic context (GRCh38, chr21:46,445,314, plus strand): 5'-ATTTGCTGCCTCATTTTTATTTATATGCAGATTCTACTTCAAAGAAATCCTGCCACCCGA[T>A]GATTAAACAGTGAATAAAATGTCATGGCTCTTTCCTGCGACAATTCTATTTGAGGAAAAG-3'
Protein context (NP_006022.3, residues 3323-3336): DSTSKKSCHP[Met3333Lys]IKQ